The following is an entry in ClinVar:

ClinVar aggregate classification (germline): Uncertain significance. Review status: reviewed by expert panel (3 of 4 stars). 3 submissions from 3 submitters: Uncertain significance (1). 2 of the submissions do not count toward it. Last evaluated 2024-08-12.

Conditions:
Hereditary thrombocytopenia and hematologic cancer predisposition syndrome. Identifiers: Orphanet 71290, MedGen CN281654, MONDO:0011071.
Hereditary thrombocytopenia and hematological cancer predisposition syndrome associated with RUNX1. Also called: PLATELET DISORDER, ASPIRIN-LIKE; RUNX1 Familial Platelet Disorder with Associated Myeloid Malignancies; Familial Platelet Disorder with Propensity to Acute Myelogenous Leukemia; Familial thrombocytopenia with propensity to acute myelogenous leukemia. Identifiers: Orphanet 71290, MedGen C1832388, MeSH C563324, MONDO:0100083, OMIM 601399.

Submissions (3):

ClinGen Myeloid Malignancy Variant Curation Expert Panel
Classification: Uncertain significance for Hereditary thrombocytopenia and hematologic cancer predisposition syndrome. Last evaluated: 2024-08-12. Review status: reviewed by expert panel. Criteria: ClinGen MyeloMalig ACMG Specifications v2. Collection method: curation. Allele origin: germline. Inheritance: Autosomal dominant inheritance.
Comment: NM_001754.4(RUNX1):c.305T>A (p.Leu102Gln) is a missense variant which is located within the Runt Homology Domain (AA 89-204), but does not occur in an established hotspot residue (PM1_supporting). This variant is absent from gnomAD v2 and v3 (PM2_supporting). It has also been reported in a family where the proband met RUNX1-phenotypic criteria (PS4_supporting), and the variant segregated with thrombocytopenia in 2 affected family members (ClinVar: SCV000807772.1); however, PP1_supporting cannot be applied due to insufficient meioses for segregation. The computational predictor, REVEL, gives a score of 0.925, which is above the threshold of 0.88, evidence that correlates with impact to RUNX1 function (PP3). In summary, this variant meets the criteria to be classified as a variant of uncertain significance for hereditary thrombocytopenia and hematologic cancer predisposition syndrome based on the ACMG/AMP criteria applied, as specified by the ClinGen Myeloid Malignancy VCEP: PS4_supporting, PM1_supporting, PM2_supporting, and PP3.

PreventionGenetics, part of Exact Sciences
Classification: Uncertain significance. Last evaluated: 2014-01-07. Review status: criteria provided, single submitter. Criteria: ACMG Guidelines, 2015. Collection method: clinical testing. Allele origin: germline. Not counted in ClinVar's aggregate classification.

ISTH-SSC Genomics in Thrombosis and Hemostasis, KU Leuven, Center for Molecular and Vascular Biology
Classification: Uncertain significance for Hereditary thrombocytopenia and hematological cancer predisposition syndrome associated with RUNX1. Review status: no assertion criteria provided. Collection method: research. Allele origin: unknown. Affected: yes. Not counted in ClinVar's aggregate classification.
Comment: Submitted to GoldVariant by Dr Marie-Christine Morel-Kopp from Northern Blood Research Centre, Sydney, Australia

NM_001754.5(RUNX1):c.305T>A (p.Leu102Gln)

Gene: RUNX1 (RUNX family transcription factor 1; minus strand). Cytogenetic location: 21q22.12.
Variant type: single nucleotide variant.
Coding change: c.305T>A on transcript NM_001754.5 (MANE Select); coding-DNA position 305, T replaced by A.
Protein change: p.Leu102Gln; replaces leucine 102 with glutamine.
Molecular consequence: missense variant.
Genome position (GRCh38, 1-based): chr21:34,886,889, A>T on the plus strand (T>A on the coding strand, the complement: RUNX1 is on the minus strand). VCF-style: chr21-34886889-A-T. GRCh37 (hg19) VCF-style: chr21-36259186-A-T.
Other names: NM_001754.4(RUNX1):c.305T>A; p.Leu102Gln; c.224T>A, p.Leu75Gln (NM_001001890.3, NM_001122607.2); short protein forms L102Q, L75Q.
Identifiers: ClinVar variation 561232 (VCV000561232.4), dbSNP rs1569084132, ClinGen allele CA410203565.
Genomic context (GRCh38, chr21:34,886,889, plus strand): 5'-CTCCGGGCCAGTACCTTGAAAGCGATGGGCAGGGTCTTGTTGCAGCGCCAGTGCGTAGGC[A>T]GCACGGAGCAGAGGAAGTTGGGGCTGTCGGTGCGCACCAGCTCGCCCGGGTGGTCGGCCA-3'
Protein context (NP_001745.2, residues 92-112): TDSPNFLCSV[Leu102Gln]PTHWRCNKTL